The following is an entry in ClinVar:

ClinVar aggregate classification (germline): Uncertain significance (1 of 4 stars; one submission).

Conditions:
RYR1-related disorder. Also called: RYR1-related condition; RYR1-related disorders. Identifiers: MedGen CN239331.

Submission:

Labcorp Genetics (formerly Invitae), Labcorp
Classification: Uncertain significance for RYR1-related disorder. Last evaluated: 2022-02-24. Review status: criteria provided, single submitter. Criteria: Invitae Variant Classification Sherloc (09022015). Collection method: clinical testing. Allele origin: germline.
Comment: In summary, the available evidence is currently insufficient to determine the role of this variant in disease. Therefore, it has been classified as a Variant of Uncertain Significance. Advanced modeling of protein sequence and biophysical properties (such as structural, functional, and spatial information, amino acid conservation, physicochemical variation, residue mobility, and thermodynamic stability) performed at Invitae indicates that this missense variant is not expected to disrupt RYR1 protein function. ClinVar contains an entry for this variant (Variation ID: 1019922). This variant has not been reported in the literature in individuals affected with RYR1-related conditions. This variant is not present in population databases (gnomAD no frequency). This sequence change replaces valine, which is neutral and non-polar, with isoleucine, which is neutral and non-polar, at codon 495 of the RYR1 protein (p.Val495Ile).

NM_000540.3(RYR1):c.1483G>A (p.Val495Ile)

Genes: RYR1 (ryanodine receptor 1; plus strand), LOC129391106 (MPRA-validated peak3472 silencer; plus strand). Cytogenetic location: 19q13.2.
Variant type: single nucleotide variant.
Coding change: c.1483G>A on transcript NM_000540.3 (MANE Select); coding-DNA position 1483, G replaced by A.
Protein change: p.Val495Ile; replaces valine 495 with isoleucine.
Molecular consequence: missense variant.
Genome position (GRCh38, 1-based): chr19:38,455,277, G>A. VCF-style: chr19-38455277-G-A. GRCh37 (hg19) VCF-style: chr19-38945917-G-A.
Other names: c.1483G>A, p.Val495Ile (NM_001042723.2); short protein forms V495I.
Identifiers: ClinVar variation 1019922 (VCV001019922.9), dbSNP rs1967307752, ClinGen allele CA405688682.